The following is an entry in ClinVar:

NM_001365536.1(SCN9A):c.2737T>C (p.Phe913Leu)

Genes: SCN9A (sodium voltage-gated channel alpha subunit 9; minus strand), SCN1A-AS1 (SCN1A and SCN9A antisense RNA 1; plus strand). Cytogenetic location: 2q24.3.
Variant type: single nucleotide variant.
Coding change: c.2737T>C on transcript NM_001365536.1 (MANE Select); coding-DNA position 2737, T replaced by C.
Protein change: p.Phe913Leu; replaces phenylalanine 913 with leucine.
Molecular consequence: missense variant. On other transcripts: non-coding transcript variant (1).
Genome position (GRCh38, 1-based): chr2:166,277,120, A>G on the plus strand (T>C on the coding strand, the complement: SCN9A is on the minus strand). VCF-style: chr2-166277120-A-G. GRCh37 (hg19) VCF-style: chr2-167133630-A-G.
Other names: c.2704T>C, p.Phe902Leu (NM_002977.4); short protein forms F913L, F902L.
Identifiers: ClinVar variation 2943637 (VCV002943637.3), dbSNP rs2468002690, ClinGen allele CA349077646.

ClinVar aggregate classification (germline): Uncertain significance (1 of 4 stars; one submission).

Conditions:
Neuropathy, hereditary sensory and autonomic, type 2A (HSAN2A). Also called: ACROOSTEOLYSIS, GIACCAI TYPE; ACROOSTEOLYSIS, NEUROGENIC; MORVAN DISEASE; NEUROPATHY, CONGENITAL SENSORY; NEUROPATHY, HEREDITARY SENSORY RADICULAR, AUTOSOMAL RECESSIVE; NEUROPATHY, HEREDITARY SENSORY, TYPE IIA. Identifiers: Orphanet 970, MedGen C2752089, MONDO:0024309, OMIM 201300.
Generalized epilepsy with febrile seizures plus, type 7 (GEFSP7). Also called: GEFS+, TYPE 7. Identifiers: Orphanet 36387, MedGen C2751778, MONDO:0013470, OMIM 613863.

Submission:

Labcorp Genetics (formerly Invitae), Labcorp
Classification: Uncertain significance for Neuropathy, hereditary sensory and autonomic, type 2A; Generalized epilepsy with febrile seizures plus, type 7. Last evaluated: 2023-01-26. Review status: criteria provided, single submitter. Criteria: Invitae Variant Classification Sherloc (09022015). Collection method: clinical testing. Allele origin: germline.
Comment: Advanced modeling of protein sequence and biophysical properties (such as structural, functional, and spatial information, amino acid conservation, physicochemical variation, residue mobility, and thermodynamic stability) has been performed at Invitae for this missense variant, however the output from this modeling did not meet the statistical confidence thresholds required to predict the impact of this variant on SCN9A protein function. In summary, the available evidence is currently insufficient to determine the role of this variant in disease. Therefore, it has been classified as a Variant of Uncertain Significance. This sequence change replaces phenylalanine, which is neutral and non-polar, with leucine, which is neutral and non-polar, at codon 902 of the SCN9A protein (p.Phe902Leu). This variant has not been reported in the literature in individuals affected with SCN9A-related conditions. This variant is not present in population databases (gnomAD no frequency).